The following is an entry in ClinVar:

NM_001385026.1(PEAK1):c.2440C>G (p.Pro814Ala)

Gene: PEAK1 (pseudopodium enriched atypical kinase 1; minus strand). Cytogenetic location: 15q24.3.
Variant type: single nucleotide variant.
Coding change: c.2440C>G on transcript NM_001385026.1 (MANE Select); coding-DNA position 2440, C replaced by G.
Protein change: p.Pro814Ala; replaces proline 814 with alanine.
Molecular consequence: missense variant.
Genome position (GRCh38, 1-based): chr15:77,179,487, G>C on the plus strand (C>G on the coding strand, the complement: PEAK1 is on the minus strand). VCF-style: chr15-77179487-G-C. GRCh37 (hg19) VCF-style: chr15-77471829-G-C.
Other names: c.2440C>G, p.Pro814Ala (NM_001385027.1, NM_001387085.1, NM_001387086.1 and 1 more transcripts); short protein forms P814A.
Identifiers: ClinVar variation 4986479 (VCV004986479.1).

ClinVar aggregate classification (germline): Uncertain significance (1 of 4 stars; one submission).

Conditions:
PEAK1-related disorder. Also called: PEAK1-related condition.

gnomAD v4.1: 5 of 1,614,116 alleles (0.00031%); highest among the groups gnomAD compares: Non-Finnish European, 0.00042%; no homozygotes.

Submission:

PreventionGenetics, part of Exact Sciences
Classification: Uncertain significance for PEAK1-related condition. Last evaluated: 2025-06-25. Review status: criteria provided, single submitter. Criteria: ACMG Guidelines, 2015. Collection method: clinical testing. Allele origin: germline.
Comment: The PEAK1 c.2440C>G variant is predicted to result in the amino acid substitution p.Pro814Ala. To our knowledge, this variant has not been reported in the literature or in a large population database (gnomAD), indicating this variant is rare. At this time, the clinical significance of this variant is uncertain due to the absence of conclusive functional and genetic evidence.